The following is an entry in ClinVar:

ClinVar aggregate classification (germline): Uncertain significance. Review status: criteria provided, multiple submitters, no conflicts (2 of 4 stars). 4 submissions from 4 submitters: Uncertain significance (4). Last evaluated 2025-03-02.

Conditions:
Familial cancer of breast. Also called: BREAST CANCER, FAMILIAL; hereditary breast carcinoma; Hereditary breast cancer. Identifiers: Orphanet 227535, MedGen C0346153, MONDO:0016419, OMIM 114480. Disease mechanism: loss of function.
Fanconi anemia complementation group J. Also called: BRIP1-Related Fanconi Anemia. Identifiers: Orphanet 84, MedGen C1836860, MONDO:0012187, OMIM 609054.
Hereditary cancer-predisposing syndrome. Also called: Hereditary Cancer Syndrome; Neoplastic Syndromes, Hereditary; Tumor predisposition; Hereditary neoplastic syndrome. Identifiers: Orphanet 140162, MedGen C0027672, MeSH D009386, MONDO:0015356.

Allele frequency attached by ClinVar (database versions not stated): gnomAD exomes below 0.00001.
gnomAD v4.1: 1 of 1,614,172 alleles (0.000062%); highest among the groups gnomAD compares: Non-Finnish European, 0.000085%; no homozygotes.

Submissions (4):

Ambry Genetics
Classification: Uncertain significance for Hereditary cancer-predisposing syndrome. Last evaluated: 2025-03-02. Review status: criteria provided, single submitter. Criteria: Ambry Variant Classification Scheme 2023. Collection method: clinical testing. Allele origin: germline.
Comment: The p.T1050A variant (also known as c.3148A>G), located in coding exon 19 of the BRIP1 gene, results from an A to G substitution at nucleotide position 3148. The threonine at codon 1050 is replaced by alanine, an amino acid with similar properties. This amino acid position is not well conserved in available vertebrate species. In addition, this alteration is predicted to be tolerated by in silico analysis. Since supporting evidence is limited at this time, the clinical significance of this alteration remains unclear.

Color Diagnostics, LLC DBA Color Health
Classification: Uncertain significance for Hereditary cancer-predisposing syndrome. Last evaluated: 2023-12-05. Review status: criteria provided, single submitter. Criteria: ACMG Guidelines, 2015. Collection method: clinical testing. Allele origin: germline.
Comment: This missense variant replaces threonine with alanine at codon 1050 of the BRIP1 protein. Computational prediction suggests that this variant may not impact protein structure and function (internally defined REVEL score threshold <= 0.5, PMID: 27666373). To our knowledge, functional studies have not been reported for this variant. This variant has not been reported in individuals affected with BRIP1-related disorders in the literature. This variant has not been identified in the general population by the Genome Aggregation Database (gnomAD). The available evidence is insufficient to determine the role of this variant in disease conclusively. Therefore, this variant is classified as a Variant of Uncertain Significance.

Labcorp Genetics (formerly Invitae), Labcorp
Classification: Uncertain significance for Familial cancer of breast; Fanconi anemia complementation group J. Last evaluated: 2020-02-13. Review status: criteria provided, single submitter. Criteria: Invitae Variant Classification Sherloc (09022015). Collection method: clinical testing. Allele origin: germline.
Comment: This sequence change replaces threonine with alanine at codon 1050 of the BRIP1 protein (p.Thr1050Ala). The threonine residue is moderately conserved and there is a small physicochemical difference between threonine and alanine. This variant is not present in population databases (ExAC no frequency). This variant has not been reported in the literature in individuals with BRIP1-related conditions. ClinVar contains an entry for this variant (Variation ID: 630542). Algorithms developed to predict the effect of missense changes on protein structure and function output the following: SIFT: "Tolerated"; PolyPhen-2: "Benign"; Align-GVGD: "Class C0". The alanine amino acid residue is found in multiple mammalian species, suggesting that this missense change does not adversely affect protein function. These predictions have not been confirmed by published functional studies and their clinical significance is uncertain. In summary, the available evidence is currently insufficient to determine the role of this variant in disease. Therefore, it has been classified as a Variant of Uncertain Significance.

GeneDx
Classification: Uncertain significance. Last evaluated: 2019-05-24. Review status: criteria provided, single submitter. Criteria: GeneDx Variant Classification Process June 2021. Collection method: clinical testing. Allele origin: germline. Affected: yes.
Comment: Not observed at a significant frequency in large population cohorts (Lek et al., 2016); In silico analysis, which includes protein predictors and evolutionary conservation, supports that this variant does not alter protein structure/function; Has not been previously published as pathogenic or benign to our knowledge

NM_032043.3(BRIP1):c.3148A>G (p.Thr1050Ala)

Gene: BRIP1 (BRCA1 interacting DNA helicase 1; minus strand). Cytogenetic location: 17q23.2.
Variant type: single nucleotide variant.
Coding change: c.3148A>G on transcript NM_032043.3 (MANE Select); coding-DNA position 3148, A replaced by G.
Protein change: p.Thr1050Ala; replaces threonine 1050 with alanine.
Molecular consequence: missense variant.
Genome position (GRCh38, 1-based): chr17:61,683,898, T>C on the plus strand (A>G on the coding strand, the complement: BRIP1 is on the minus strand). VCF-style: chr17-61683898-T-C. GRCh37 (hg19) VCF-style: chr17-59761259-T-C.
Other names: short protein forms T1050A.
Identifiers: ClinVar variation 630542 (VCV000630542.20), dbSNP rs1567728933, ClinGen allele CA400479551.